The following is an entry in ClinVar:

NM_000059.4(BRCA2):c.6927C>G (p.Ser2309Arg)

Gene: BRCA2 (BRCA2 DNA repair associated; plus strand). Cytogenetic location: 13q13.1.
Variant type: single nucleotide variant.
Coding change: c.6927C>G on transcript NM_000059.4 (MANE Select); coding-DNA position 6927, C replaced by G.
Protein change: p.Ser2309Arg; replaces serine 2309 with arginine.
Molecular consequence: missense variant. On other transcripts: non-coding transcript variant (1), intron variant (1).
Genome position (GRCh38, 1-based): chr13:32,344,643, C>G. VCF-style: chr13-32344643-C-G. GRCh37 (hg19) VCF-style: chr13-32918780-C-G.
Other names: c.6927C>G, p.Ser2309Arg (NM_001406720.1, NM_001432077.1); c.1995C>G, p.Ser665Arg (NM_001406721.1); c.510C>G, p.Ser170Arg (NM_001406722.1); c.6842-2184C>G (NM_001406719.1); short protein forms S2309R, S665R, S170R.
Identifiers: ClinVar variation 5033270 (VCV005033270.1).

ClinVar aggregate classification (germline): Uncertain significance (1 of 4 stars; one submission).

Conditions:
Hereditary cancer-predisposing syndrome. Also called: Neoplastic Syndromes, Hereditary; Tumor predisposition; Hereditary neoplastic syndrome; Hereditary Cancer Syndrome. Identifiers: Orphanet 140162, MedGen C0027672, MeSH D009386, MONDO:0015356.

Submission:

Ambry Genetics
Classification: Uncertain significance for Hereditary cancer-predisposing syndrome. Last evaluated: 2026-07-06. Review status: criteria provided, single submitter. Criteria: Ambry Variant Classification Scheme 2023. Collection method: clinical testing. Allele origin: germline.
Comment: The p.S2309R variant (also known as c.6927C>G), located in coding exon 11 of the BRCA2 gene, results from a C to G substitution at nucleotide position 6927. The serine at codon 2309 is replaced by arginine, an amino acid with dissimilar properties. This amino acid position is conserved. In addition, the in silico prediction for this alteration is inconclusive. Based on the available evidence, the clinical significance of this variant remains unclear.